The following is an entry in ClinVar:

ClinVar aggregate classification (germline): Benign/Likely benign. Review status: criteria provided, multiple submitters, no conflicts (2 of 4 stars). 3 submissions from 3 submitters: Benign (1); Likely benign (1). 1 of the submissions does not count toward it. Last evaluated 2026-01-01.

Conditions:
RREB1-related disorder. Also called: RREB1-related condition.

Allele frequency attached by ClinVar (database versions not stated): 1000 Genomes Project 30x 0.00016; 1000 Genomes Project 0.00020; TOPMed 0.00045; ESP Exome Variant Server 0.00046; gnomAD exomes 0.00065 and 0.00089; ExAC 0.00073; gnomAD 0.00084 and 0.00091.
gnomAD v4.1: 1,077 of 1,613,820 alleles (0.067%); highest among the groups gnomAD compares: Non-Finnish European, 0.058%; 3 homozygotes.

Submissions (3):

CeGaT Center for Human Genetics Tuebingen
Classification: Likely benign. Last evaluated: 2026-01-01. Review status: criteria provided, single submitter. Criteria: CeGaT Center For Human Genetics Tuebingen Variant Classification Criteria Version 2. Collection method: clinical testing. Allele origin: germline. Affected: yes. Observed: 2 variant alleles.
Comment: RREB1: BP4, BP7

Labcorp Genetics (formerly Invitae), Labcorp
Classification: Benign. Last evaluated: 2019-12-31. Review status: criteria provided, single submitter. Criteria: Invitae Variant Classification Sherloc (09022015). Collection method: clinical testing. Allele origin: germline.

PreventionGenetics, part of Exact Sciences
Classification: Likely benign for RREB1-related condition. Last evaluated: 2019-09-06. Review status: no assertion criteria provided. Collection method: clinical testing. Allele origin: germline. Not counted in ClinVar's aggregate classification.
Comment: This variant is classified as likely benign based on ACMG/AMP sequence variant interpretation guidelines (Richards et al. 2015 PMID: 25741868, with internal and published modifications).

NM_001003699.4(RREB1):c.2955C>T (p.Pro985=)

Gene: RREB1 (ras responsive element binding protein 1; plus strand). Cytogenetic location: 6p24.3.
Variant type: single nucleotide variant.
Coding change: c.2955C>T on transcript NM_001003699.4 (MANE Select); coding-DNA position 2955, C replaced by T.
Protein change: p.Pro985=; no amino-acid change (proline 985 retained).
Molecular consequence: synonymous variant.
Genome position (GRCh38, 1-based): chr6:7,231,054, C>T. VCF-style: chr6-7231054-C-T. GRCh37 (hg19) VCF-style: chr6-7231287-C-T.
Other names: c.2955C>T, p.Pro985= (NM_001003698.4, NM_001003700.2, NM_001168344.2).
Identifiers: ClinVar variation 735301 (VCV000735301.29), dbSNP rs200974282, ClinGen allele CA3625999.